The following is an entry in ClinVar:

ClinVar aggregate classification (germline): Uncertain significance (1 of 4 stars; one submission).

Submission:

Ambry Genetics
Classification: Uncertain significance. Last evaluated: 2022-09-26. Review status: criteria provided, single submitter. Criteria: Ambry Variant Classification Scheme 2023. Collection method: clinical testing. Allele origin: germline.
Comment: The p.R31G variant (also known as c.91C>G), located in coding exon 1 of the EGLN2 gene, results from a C to G substitution at nucleotide position 91. The arginine at codon 31 is replaced by glycine, an amino acid with dissimilar properties. This amino acid position is conserved. In addition, this alteration is predicted to be tolerated by in silico analysis. Since supporting evidence is limited at this time, the clinical significance of this alteration remains unclear.

NM_080732.4(EGLN2):c.91C>G (p.Arg31Gly)

Genes: EGLN2 (egl-9 family hypoxia inducible factor 2; plus strand), RAB4B-EGLN2 (RAB4B-EGLN2 readthrough (NMD candidate); plus strand). Cytogenetic location: 19q13.2.
Variant type: single nucleotide variant.
Coding change: c.91C>G on transcript NM_080732.4 (MANE Select); coding-DNA position 91, C replaced by G.
Protein change: p.Arg31Gly; replaces arginine 31 with glycine.
Molecular consequence: missense variant. On other transcripts: non-coding transcript variant (1).
Genome position (GRCh38, 1-based): chr19:40,800,663, C>G. VCF-style: chr19-40800663-C-G. GRCh37 (hg19) VCF-style: chr19-41306568-C-G.
Other names: c.91C>G, p.Arg31Gly (NM_053046.4); short protein forms R31G.
Identifiers: ClinVar variation 1766160 (VCV001766160.2), dbSNP rs796541103, ClinGen allele CA405954543.